The following is an entry in ClinVar:

ClinVar aggregate classification (germline): Conflicting classifications of pathogenicity. Review status: criteria provided, conflicting classifications (1 of 4 stars). 3 submissions from 3 submitters: Likely pathogenic (1); Uncertain significance (1). 1 of the submissions does not count toward it. Last evaluated 2026-01-19.

Conditions:
Atrial fibrillation, familial, 7 (ATFB7). Identifiers: MedGen C2677106, MONDO:0012828, OMIM 612240.

Allele frequency attached by ClinVar (database versions not stated): gnomAD 0.00001; gnomAD exomes 0.00001 and 0.00004; TOPMed 0.00002; ExAC 0.00003.
gnomAD v4.1: 17 of 1,613,982 alleles (0.0011%); highest among the groups gnomAD compares: East Asian, 0.033%; no homozygotes.

Submissions (3):

Labcorp Genetics (formerly Invitae), Labcorp
Classification: Uncertain significance for Atrial fibrillation, familial, 7. Last evaluated: 2026-01-19. Review status: criteria provided, single submitter. Criteria: Invitae Variant Classification Sherloc (09022015). Collection method: clinical testing. Allele origin: germline.
Comment: This sequence change replaces alanine, which is neutral and non-polar, with valine, which is neutral and non-polar, at codon 576 of the KCNA5 protein (p.Ala576Val). This variant is present in population databases (rs121908592, gnomAD 0.05%). This missense change has been observed in individual(s) with atrial fibrillation and/or pulmonary arterial hypertension (PMID: 19343045, 31727138). ClinVar contains an entry for this variant (Variation ID: 13471). An algorithm developed to predict the effect of missense changes on protein structure and function outputs the following: PolyPhen-2: "Benign". The valine amino acid residue is found in multiple mammalian species, which suggests that this missense change does not adversely affect protein function. In summary, the available evidence is currently insufficient to determine the role of this variant in disease. Therefore, it has been classified as a Variant of Uncertain Significance.

Fulgent Genetics
Classification: Likely pathogenic for Atrial fibrillation, familial, 7. Last evaluated: 2021-11-25. Review status: criteria provided, single submitter. Criteria: ACMG Guidelines, 2015. Collection method: clinical testing. Allele origin: unknown.

OMIM
Classification: Pathogenic for ATRIAL FIBRILLATION, FAMILIAL, 7. Last evaluated: 2009-05-01. Review status: no assertion criteria provided. Collection method: literature only. Allele origin: germline. Not counted in ClinVar's aggregate classification.

Literature cited by the submitters: PubMed 19343045 (cited by Labcorp Genetics (formerly Invitae), Labcorp and OMIM); PubMed 31727138 (cited by Labcorp Genetics (formerly Invitae), Labcorp).

NM_002234.4(KCNA5):c.1727C>T (p.Ala576Val)

Gene: KCNA5 (potassium voltage-gated channel subfamily A member 5; plus strand). Cytogenetic location: 12p13.32.
Variant type: single nucleotide variant.
Coding change: c.1727C>T on transcript NM_002234.4 (MANE Select); coding-DNA position 1727, C replaced by T.
Protein change: p.Ala576Val; replaces alanine 576 with valine.
Molecular consequence: missense variant.
Genome position (GRCh38, 1-based): chr12:5,045,874, C>T. VCF-style: chr12-5045874-C-T. GRCh37 (hg19) VCF-style: chr12-5155040-C-T.
Other names: short protein forms A576V.
Identifiers: ClinVar variation 13471 (VCV000013471.7), dbSNP rs121908592, ClinGen allele CA123126.
Genomic context (GRCh38, chr12:5,045,874, plus strand): 5'-TCAGCGGGAGCAGGGGATCCTTCTGCAAGGCTGGGGGGACCCTGGAGAATGCAGACAGTG[C>T]CCGAAGGGGCAGCTGCCCCCTAGAGAAGTGTAACGTCAAGGCCAAGAGCAACGTGGACTT-3'
Protein context (NP_002225.2, residues 566-586): AGGTLENADS[Ala576Val]RRGSCPLEKC